The following is an entry in ClinVar:

NM_181552.4(CUX1):c.2710G>A (p.Glu904Lys)

Gene: CUX1 (cut like homeobox 1; plus strand). Cytogenetic location: 7q22.1.
Variant type: single nucleotide variant.
Coding change: c.2710G>A on transcript NM_181552.4 (MANE Select); coding-DNA position 2710, G replaced by A.
Protein change: p.Glu904Lys; replaces glutamic acid 904 with lysine.
Molecular consequence: missense variant. On other transcripts: intron variant (5).
Genome position (GRCh38, 1-based): chr7:102,202,007, G>A. VCF-style: chr7-102202007-G-A. GRCh37 (hg19) VCF-style: chr7-101845287-G-A.
Other names: c.2743G>A, p.Glu915Lys (NM_001202543.2); c.1255+6404G>A (NM_001913.5); c.1249+6404G>A (NM_181500.4); c.1117+6404G>A (NM_001202545.3); c.1207+6404G>A (NM_001202544.3); c.1138+6404G>A (NM_001202546.3); short protein forms E904K, E915K.
Identifiers: ClinVar variation 3367050 (VCV003367050.1).
Genomic context (GRCh38, chr7:102,202,007, plus strand): 5'-AGCGCTGAGTCCCCATACTCCCAGAGCTCAGAGCTGAGTCTGACCGGGGCCAGCCGCAGC[G>A]AGACACCACAGAACAGCCCCCTGCCATCCTCCCCGATCGTGCCCATGTCCAAGCCCACCA-3'
Protein context (NP_853530.2, residues 894-914): ELSLTGASRS[Glu904Lys]TPQNSPLPSS

ClinVar aggregate classification (germline): Uncertain significance (1 of 4 stars; one submission).

Conditions:
Global developmental delay with or without impaired intellectual development. Identifiers: MedGen C5193032, MONDO:0032680, OMIM 618330.

gnomAD v4.1: 6 of 1,613,982 alleles (0.00037%); highest among the groups gnomAD compares: East Asian, 0.0022%; no homozygotes.

Submission:

Neuberg Centre For Genomic Medicine, NCGM
Classification: Uncertain significance for Global developmental delay with or without impaired intellectual development. Last evaluated: 2023-05-20. Review status: criteria provided, single submitter. Criteria: ACMG Guidelines, 2015. Collection method: clinical testing. Allele origin: germline. Inheritance: Autosomal dominant inheritance. Affected: yes.
Comment: The missense variant c.2710G>A (p.Glu904Lys) in the CUX1 gene has not been reported previously as a pathogenic variant nor as a benign variant, to our knowledge. This variant is absent in the gnomAD Exomes. The amino acid Glutamic Acid at position 904 is changed to a Lysine changing protein sequence and it might alter its composition and physico-chemical properties. Multiple lines of computational evidence (Polyphen - Damaging, SIFT - Damaging and MutationTaster - Disease causing) predict a damaging effect on protein structure and function for this variant. The amino acid change p.Glu904Lys in CUX1 is predicted as conserved by GERP++ and PhyloP across 100 vertebrates. For these reasons, this variant has been classified as Uncertain Significance.